The following is an entry in ClinVar:

ClinVar aggregate classification (germline): Pathogenic (1 of 4 stars; one submission).

Conditions:
Lynch syndrome 5 (LYNCH5). Also called: Hereditary non-polyposis colorectal cancer, type 5; Colorectal cancer, hereditary nonpolyposis, type 5. Identifiers: Orphanet 144, MedGen C1833477, MONDO:0013710, OMIM 614350. Disease mechanism: loss of function.

Submission:

Myriad Genetics, Inc.
Classification: Pathogenic for Lynch syndrome 5. Last evaluated: 2025-07-18. Review status: criteria provided, single submitter. Criteria: Myriad Autosomal Dominant, Autosomal Recessive and X-Linked Classification Criteria (2023). Collection method: clinical testing. Allele origin: unknown.
Comment: This variant is considered pathogenic. This variant creates a frameshift predicted to result in premature protein truncation.

NM_000179.3(MSH6):c.3957_3959delinsGG (p.Ala1320fs)

Gene: MSH6 (mutS homolog 6; plus strand). Cytogenetic location: 2p16.3.
Variant type: Indel.
Coding change: c.3957_3959delinsGG on transcript NM_000179.3 (MANE Select); coding-DNA positions 3957 to 3959, AGC replaced by GG.
Protein change: p.Ala1320fs; shifts the reading frame from alanine 1320.
Molecular consequence: frameshift variant. On other transcripts: non-coding transcript variant (5), intron variant (1).
Genome position (GRCh38, 1-based): chr2:47,806,607-47,806,609, AGC replaced by GG. VCF-style: chr2-47806607-AGC-GG. GRCh37 (hg19) VCF-style: chr2-48033746-AGC-GG.
Other names: c.3567_3569delinsGG, p.Ala1190fs (NM_001281492.2); c.3051_3053delinsGG, p.Ala1018fs (NM_001281493.2, NM_001281494.2, NM_001406811.1 and 6 more transcripts); c.4053_4055delinsGG, p.Ala1352fs (NM_001406795.1); c.3957_3959delinsGG, p.Ala1320fs (NM_001406796.1, NM_001406808.1, NM_001406809.1); c.3660_3662delinsGG, p.Ala1221fs (NM_001406797.1, NM_001406801.1, NM_001406805.1 and 10 more transcripts); c.3783_3785delinsGG, p.Ala1262fs (NM_001406798.1); c.3432_3434delinsGG, p.Ala1145fs (NM_001406799.1, NM_001406806.1, NM_001406807.1); c.3944_3946delinsGG, p.Lys1315fs (NM_001406800.1); and 9 more; short protein forms A1018fs, A1032fs, A1145fs, A1190fs, A1221fs, A1262fs, A1264fs, A1294fs.
Identifiers: ClinVar variation 4294236 (VCV004294236.1).